The following is an entry in ClinVar:

ClinVar aggregate classification (germline): Uncertain significance. Review status: criteria provided, multiple submitters, no conflicts (2 of 4 stars). 2 submissions from 2 submitters: Uncertain significance (2). Last evaluated 2026-05-11.

Conditions:
Hereditary cancer-predisposing syndrome. Also called: Tumor predisposition; Hereditary Cancer Syndrome; Hereditary neoplastic syndrome; Neoplastic Syndromes, Hereditary. Identifiers: Orphanet 140162, MedGen C0027672, MeSH D009386, MONDO:0015356.

Submissions (2):

Ambry Genetics
Classification: Uncertain significance for Hereditary cancer-predisposing syndrome. Last evaluated: 2026-05-11. Review status: criteria provided, single submitter. Criteria: Ambry Variant Classification Scheme 2023. Collection method: clinical testing. Allele origin: germline.
Comment: The p.K521E variant (also known as c.1561A>G), located in coding exon 10 of the MSH3 gene, results from an A to G substitution at nucleotide position 1561. The lysine at codon 521 is replaced by glutamic acid, an amino acid with similar properties. This amino acid position is not well conserved in available vertebrate species. In addition, the in silico prediction for this alteration is inconclusive. Based on the available evidence, the clinical significance of this variant remains unclear.

Labcorp Genetics (formerly Invitae), Labcorp
Classification: Uncertain significance. Last evaluated: 2023-05-22. Review status: criteria provided, single submitter. Criteria: Invitae Variant Classification Sherloc (09022015). Collection method: clinical testing. Allele origin: germline.
Comment: In summary, the available evidence is currently insufficient to determine the role of this variant in disease. Therefore, it has been classified as a Variant of Uncertain Significance. An algorithm developed to predict the effect of missense changes on protein structure and function (PolyPhen-2) suggests that this variant is likely to be tolerated. ClinVar contains an entry for this variant (Variation ID: 2172782). This variant has not been reported in the literature in individuals affected with MSH3-related conditions. This variant is not present in population databases (gnomAD no frequency). This sequence change replaces lysine, which is basic and polar, with glutamic acid, which is acidic and polar, at codon 521 of the MSH3 protein (p.Lys521Glu).

NM_002439.5(MSH3):c.1561A>G (p.Lys521Glu)

Gene: MSH3 (mutS homolog 3; plus strand). Cytogenetic location: 5q14.1.
Variant type: single nucleotide variant.
Coding change: c.1561A>G on transcript NM_002439.5 (MANE Select); coding-DNA position 1561, A replaced by G.
Protein change: p.Lys521Glu; replaces lysine 521 with glutamic acid.
Molecular consequence: missense variant.
Genome position (GRCh38, 1-based): chr5:80,728,958, A>G. VCF-style: chr5-80728958-A-G. GRCh37 (hg19) VCF-style: chr5-80024777-A-G.
Other names: c.1561A>G (NM_002439.3); short protein forms K521E.
Identifiers: ClinVar variation 2172782 (VCV002172782.5), dbSNP rs2546754719, ClinGen allele CA360274376.